The following is an entry in ClinVar:

ClinVar aggregate classification (germline): Likely benign. Review status: criteria provided, multiple submitters, no conflicts (2 of 4 stars). 3 submissions from 3 submitters: Likely benign (3). Last evaluated 2025-04-02.

Conditions:
JAG1-related disorder. Also called: JAG1-related disorders; JAG1-related condition.
Alagille syndrome due to a JAG1 point mutation. Also called: HEPATIC DUCTULAR HYPOPLASIA, SYNDROMATIC; Alagille Syndrome 1; JAG1-Related Alagille Syndrome. Identifiers: Orphanet 261619, Orphanet 52, MedGen C1956125, MONDO:0016862, OMIM 118450.

Allele frequency attached by ClinVar (database versions not stated): gnomAD 0.00004; gnomAD exomes 0.00004 and 0.00012; TOPMed 0.00005; ExAC 0.00012.
gnomAD v4.1: 62 of 1,561,210 alleles (0.004%); highest among the groups gnomAD compares: Admixed American, 0.052%; no homozygotes.

Submissions (3):

Labcorp Genetics (formerly Invitae), Labcorp
Classification: Likely benign for Alagille syndrome due to a JAG1 point mutation. Last evaluated: 2025-04-02. Review status: criteria provided, single submitter. Criteria: Invitae Variant Classification Sherloc (09022015). Collection method: clinical testing. Allele origin: germline.

PreventionGenetics, part of Exact Sciences
Classification: Likely benign for JAG1-related condition. Last evaluated: 2025-03-10. Review status: criteria provided, single submitter. Criteria: ACMG Guidelines, 2015. Collection method: clinical testing. Allele origin: germline.
Comment: This variant is classified as likely benign based on ACMG/AMP sequence variant interpretation guidelines (Richards et al. 2015 PMID: 25741868, with internal and published modifications).

Blueprint Genetics
Classification: Likely benign. Last evaluated: 2020-02-20. Review status: criteria provided, single submitter. Criteria: ACMG Guidelines, 2015. Collection method: clinical testing. Allele origin: germline.

NM_000214.3(JAG1):c.1349-20A>G

Gene: JAG1 (jagged canonical Notch ligand 1; minus strand). Cytogenetic location: 20p12.2.
Variant type: single nucleotide variant.
Coding change: c.1349-20A>G on transcript NM_000214.3 (MANE Select); 20 bases into the intron before coding-DNA position 1349, A replaced by G.
Molecular consequence: intron variant.
Genome position (GRCh38, 1-based): chr20:10,649,127, T>C on the plus strand (A>G on the coding strand, the complement: JAG1 is on the minus strand). VCF-style: chr20-10649127-T-C. GRCh37 (hg19) VCF-style: chr20-10629775-T-C.
Other names: c.1349-20A>G (NM_000214.2).
Identifiers: ClinVar variation 1658357 (VCV001658357.10), dbSNP rs758784471, ClinGen allele CA9764901.